The following is an entry in ClinVar:

NM_025216.3(WNT10A):c.914G>T (p.Arg305Leu)

Gene: WNT10A (Wnt family member 10A; plus strand). Cytogenetic location: 2q35.
Variant type: single nucleotide variant.
Coding change: c.914G>T on transcript NM_025216.3 (MANE Select); coding-DNA position 914, G replaced by T.
Protein change: p.Arg305Leu; replaces arginine 305 with leucine.
Molecular consequence: missense variant.
Genome position (GRCh38, 1-based): chr2:218,892,931, G>T. VCF-style: chr2-218892931-G-T. GRCh37 (hg19) VCF-style: chr2-219757653-G-T.
Other names: short protein forms R305L.
Identifiers: ClinVar variation 1413344 (VCV001413344.3), dbSNP rs746769946, ClinGen allele CA2114066.

ClinVar aggregate classification (germline): Uncertain significance (1 of 4 stars; one submission).

Conditions:
Tooth agenesis, selective, 4 (STHAG4). Also called: LATERAL INCISORS, ABSENCE OF; LATERAL INCISORS, PEGGED OR MISSING; SUCCEDANEOUS TEETH, AGENESIS OF; TOOTH AGENESIS, SELECTIVE, 4, WITH OR WITHOUT ECTODERMAL DYSPLASIA. Identifiers: Orphanet 99798, MedGen C1835492, MONDO:0007881, OMIM 150400. Disease mechanism: loss of function.
Odonto-onycho-dermal dysplasia. Identifiers: Orphanet 2721, MedGen C0796093, MONDO:0009773, OMIM 257980.

gnomAD v4.1: 29 of 1,483,898 alleles (0.002%); highest among the groups gnomAD compares: Non-Finnish European, 0.0025%; no homozygotes.

Submission:

Labcorp Genetics (formerly Invitae), Labcorp
Classification: Uncertain significance for Tooth agenesis, selective, 4; Odonto-onycho-dermal dysplasia. Last evaluated: 2022-05-10. Review status: criteria provided, single submitter. Criteria: Invitae Variant Classification Sherloc (09022015). Collection method: clinical testing. Allele origin: germline.
Comment: This sequence change replaces arginine, which is basic and polar, with leucine, which is neutral and non-polar, at codon 305 of the WNT10A protein (p.Arg305Leu). This variant is not present in population databases (gnomAD no frequency). This variant has not been reported in the literature in individuals affected with WNT10A-related conditions. Algorithms developed to predict the effect of missense changes on protein structure and function are either unavailable or do not agree on the potential impact of this missense change (SIFT: "Tolerated"; PolyPhen-2: "Probably Damaging"; Align-GVGD: "Class C0"). In summary, the available evidence is currently insufficient to determine the role of this variant in disease. Therefore, it has been classified as a Variant of Uncertain Significance.